The following is an entry in ClinVar:

NM_006087.4(TUBB4A):c.36C>T (p.Cys12=)

Genes: TUBB4A (tubulin beta 4A class IVa; minus strand), LOC130063295 (ATAC-STARR-seq lymphoblastoid silent region 9955; plus strand). Cytogenetic location: 19p13.3.
Variant type: single nucleotide variant.
Coding change: c.36C>T on transcript NM_006087.4 (MANE Select); coding-DNA position 36, C replaced by T.
Protein change: p.Cys12=; no amino-acid change (cysteine 12 retained).
Molecular consequence: synonymous variant. On other transcripts: 5 prime UTR variant (1), intron variant (1).
Genome position (GRCh38, 1-based): chr19:6,502,177, G>A on the plus strand (C>T on the coding strand, the complement: TUBB4A is on the minus strand). VCF-style: chr19-6502177-G-A. GRCh37 (hg19) VCF-style: chr19-6502188-G-A.
Other names: c.189C>T, p.Cys63= (NM_001289123.2); c.171C>T, p.Cys57= (NM_001289127.2); c.36C>T, p.Cys12= (NM_001289129.2); c.-138C>T (NM_001289130.2); c.-117+12C>T (NM_001289131.2).
Identifiers: ClinVar variation 2062405 (VCV002062405.6), dbSNP rs754780863, ClinGen allele CA9127486.

ClinVar aggregate classification (germline): Likely benign. Review status: criteria provided, multiple submitters, no conflicts (2 of 4 stars). 3 submissions from 3 submitters: Likely benign (3). Last evaluated 2026-07-01.

Conditions:
Leukodystrophy, hypomyelinating, 6. Also called: LEUKODYSTROPHY, HYPOMYELINATING, WITH ATROPHY OF THE BASAL GANGLIA AND CEREBELLUM; TUBB4A-Associated Leukodystrophy; Hypomyelination with Atrophy of Basal Ganglia and Cerebellum (H-ABC). Identifiers: Orphanet 139441, MedGen C2676244, MONDO:0012905, OMIM 612438.

Allele frequency attached by ClinVar (database versions not stated): gnomAD 0.00001; ExAC 0.00006.
gnomAD v4.1: 38 of 1,575,866 alleles (0.0024%); highest among the groups gnomAD compares: Non-Finnish European, 0.0031%; no homozygotes.

Submissions (3):

CeGaT Center for Human Genetics Tuebingen
Classification: Likely benign. Last evaluated: 2026-07-01. Review status: criteria provided, single submitter. Criteria: CeGaT Center For Human Genetics Tuebingen Variant Classification Criteria Version 2. Collection method: clinical testing. Allele origin: germline. Affected: yes. Observed: 1 variant allele.
Comment: TUBB4A: BP4, BP7

Blueprint Genetics
Classification: Likely benign. Last evaluated: 2024-10-09. Review status: criteria provided, single submitter. Criteria: ACMG Guidelines, 2015. Collection method: clinical testing. Allele origin: germline.

Labcorp Genetics (formerly Invitae), Labcorp
Classification: Likely benign for Leukodystrophy, hypomyelinating, 6. Last evaluated: 2022-09-02. Review status: criteria provided, single submitter. Criteria: Invitae Variant Classification Sherloc (09022015). Collection method: clinical testing. Allele origin: germline.